The following is an entry in ClinVar:

ClinVar aggregate classification (germline): Uncertain significance. Review status: criteria provided, multiple submitters, no conflicts (2 of 4 stars). 2 submissions from 2 submitters: Uncertain significance (2). Last evaluated 2023-10-10.

Allele frequency attached by ClinVar (database versions not stated): gnomAD 0.00001; TOPMed 0.00002.
gnomAD v4.1: 10 of 835,684 alleles (0.0012%); highest among the groups gnomAD compares: East Asian, 0.011%; no homozygotes.

Submissions (2):

Ambry Genetics
Classification: Uncertain significance. Last evaluated: 2023-10-10. Review status: criteria provided, single submitter. Criteria: Ambry Variant Classification Scheme 2023. Collection method: clinical testing. Allele origin: germline.

Labcorp Genetics (formerly Invitae), Labcorp
Classification: Uncertain significance. Last evaluated: 2023-01-25. Review status: criteria provided, single submitter. Criteria: Invitae Variant Classification Sherloc (09022015). Collection method: clinical testing. Allele origin: germline.
Comment: In summary, the available evidence is currently insufficient to determine the role of this variant in disease. Therefore, it has been classified as a Variant of Uncertain Significance. Advanced modeling of protein sequence and biophysical properties (such as structural, functional, and spatial information, amino acid conservation, physicochemical variation, residue mobility, and thermodynamic stability) performed at Invitae indicates that this missense variant is not expected to disrupt FAT2 protein function. This variant has not been reported in the literature in individuals affected with FAT2-related conditions. This variant is present in population databases (no rsID available, gnomAD 0.006%). This sequence change replaces aspartic acid, which is acidic and polar, with tyrosine, which is neutral and polar, at codon 1085 of the FAT2 protein (p.Asp1085Tyr).

NM_001447.3(FAT2):c.3253G>T (p.Asp1085Tyr)

Gene: FAT2 (FAT atypical cadherin 2; minus strand). Cytogenetic location: 5q33.1.
Variant type: single nucleotide variant.
Coding change: c.3253G>T on transcript NM_001447.3 (MANE Select); coding-DNA position 3253, G replaced by T.
Protein change: p.Asp1085Tyr; replaces aspartic acid 1085 with tyrosine.
Molecular consequence: missense variant.
Genome position (GRCh38, 1-based): chr5:151,565,679, C>A on the plus strand (G>T on the coding strand, the complement: FAT2 is on the minus strand). VCF-style: chr5-151565679-C-A. GRCh37 (hg19) VCF-style: chr5-150945240-C-A.
Other names: c.3253G>T (NM_001447.2); short protein forms D1085Y.
Identifiers: ClinVar variation 2723514 (VCV002723514.4), dbSNP rs915165920, ClinGen allele CA129983214.